The following is an entry in ClinVar:

NM_000297.4(PKD2):c.2134T>C (p.Leu712=)

Gene: PKD2 (polycystin 2, transient receptor potential cation channel; plus strand). Cytogenetic location: 4q22.1.
Variant type: single nucleotide variant.
Coding change: c.2134T>C on transcript NM_000297.4 (MANE Select); coding-DNA position 2134, T replaced by C.
Protein change: p.Leu712=; no amino-acid change (leucine 712 retained).
Molecular consequence: synonymous variant. On other transcripts: non-coding transcript variant (1).
Genome position (GRCh38, 1-based): chr4:88,065,389, T>C. VCF-style: chr4-88065389-T-C. GRCh37 (hg19) VCF-style: chr4-88986541-T-C.
Other names: p.Leu712=.
Identifiers: ClinVar variation 543949 (VCV000543949.24), dbSNP rs73841280, ClinGen allele CA3004144.

ClinVar aggregate classification (germline): Benign/Likely benign. Review status: criteria provided, multiple submitters, no conflicts (2 of 4 stars). 7 submissions from 7 submitters: Benign (4); Likely benign (2). 1 of the submissions does not count toward it. Last evaluated 2026-01-18.

Conditions:
Autosomal dominant polycystic kidney disease. Identifiers: Orphanet 730, MedGen C0085413, MONDO:0004691.
Polycystic kidney disease 2 (PKD2). Also called: POLYCYSTIC KIDNEY DISEASE 2 WITH OR WITHOUT POLYCYSTIC LIVER DISEASE; Polycystic Kidney Disease 2, Autosomal Dominant; POLYCYSTIC KIDNEY DISEASE, ADULT, TYPE II. Identifiers: MedGen C2751306, MONDO:0013131, OMIM 613095.
Polycystic kidney disease. Also called: Kidney, Polycystic; Polycystic kidney dysplasia. Identifiers: MedGen C0022680, MeSH D007690, MONDO:0020642, HP:0000113.

Allele frequency attached by ClinVar (database versions not stated): gnomAD exomes 0.00051 and 0.00143; ExAC 0.00174; gnomAD 0.00526 and 0.00563; TOPMed 0.00585; 1000 Genomes Project 0.00659; ESP Exome Variant Server 0.00661; 1000 Genomes Project 30x 0.00781.
gnomAD v4.1: 1,580 of 1,612,206 alleles (0.098%); highest among the groups gnomAD compares: African/African-American, 1.8%; 17 homozygotes.

Submissions (7):

Labcorp Genetics (formerly Invitae), Labcorp
Classification: Benign for Autosomal dominant polycystic kidney disease. Last evaluated: 2026-01-18. Review status: criteria provided, single submitter. Criteria: Invitae Variant Classification Sherloc (09022015). Collection method: clinical testing. Allele origin: germline.

Mayo Clinic Laboratories, Mayo Clinic
Classification: Benign. Last evaluated: 2025-01-21. Review status: criteria provided, single submitter. Criteria: ACMG Guidelines, 2015. Collection method: clinical testing. Allele origin: germline. Observed: 1 variant allele.
Comment: BS1, BS2, BP4, BP7

Blueprint Genetics
Classification: Benign. Last evaluated: 2024-10-02. Review status: criteria provided, single submitter. Criteria: ACMG Guidelines, 2015. Collection method: clinical testing. Allele origin: germline.

GeneDx
Classification: Likely benign. Last evaluated: 2021-04-09. Review status: criteria provided, single submitter. Criteria: GeneDx Variant Classification Process June 2021. Collection method: clinical testing. Allele origin: germline. Affected: yes.

Athena Diagnostics
Classification: Benign. Last evaluated: 2020-09-11. Review status: criteria provided, single submitter. Criteria: Athena Diagnostics criteria. Collection method: clinical testing. Allele origin: unknown.

Illumina Laboratory Services, Illumina
Classification: Likely benign for Polycystic kidney disease 2. Last evaluated: 2018-01-12. Review status: criteria provided, single submitter. Criteria: ICSL Variant Classification Criteria 13 December 2019. Collection method: clinical testing. Allele origin: germline.
Comment: This variant was observed in the ICSL laboratory as part of a predisposition screen in an ostensibly healthy population. It had not been previously curated by ICSL or reported in the Human Gene Mutation Database (HGMD: prior to June 1st, 2018), and was therefore a candidate for classification through an automated scoring system. Utilizing variant allele frequency, disease prevalence and penetrance estimates, and inheritance mode, an automated score was calculated to assess if this variant is too frequent to cause the disease. Based on the score and internal cut-off values, a variant classified as likely benign is not then subjected to further curation. The score for this variant resulted in a classification of likely benign for this disease.

Department of Pathology and Laboratory Medicine, Sinai Health System
Classification: Likely benign for Polycystic Kidney disease. Review status: no assertion criteria provided. Collection method: clinical testing. Allele origin: unknown. Affected: yes. Study: The Canadian Open Genetics Repository (COGR). Not counted in ClinVar's aggregate classification.
Comment: The PKD2 p.Leu712Leu variant was not identified in the literature nor was it identified in the ClinVar, Genesight-COGR, LOVD 3.0, PKD1-LOVD, databases. The variant was identified in dbSNP (ID: rs73841280) with â€šÃ„Ã¹NAâ€šÃ„Ã¹, in ADPKD Mutation Database (2x, as likely neutral, and rare). The variant was identified in control databases in 482 of 277054 chromosomes at a frequency of 0.00174 increasing the likelihood this could be a low frequency benign variant (Genome Aggregation Consortium Feb 27, 2017)". The variant was identified in the following population at a frequency greater than 1%: African in 440 of 24026 chromosomes (freq: 0.018). In addition we cannot be certain that data from control databases is specific to PKD1 and not from one of the six PKD1 pseudogenes. The variant p.Leu712Leu is not expected to have clinical significance because it does not result in a change of amino acid and is not located in a known consensus splice site. In addition, in silico or computational prediction software programs (SpliceSiteFinder, MaxEntScan, NNSPLICE, GeneSplicer, HumanSpliceFinder) do not predict a difference in splicing. In summary, based on the above information the clinical significance of this variant cannot be determined with certainty at this time although we would lean towards a more benign role for this variant. This variant is classified as likely benign.